The following is an entry in ClinVar:

ClinVar aggregate classification (germline): Conflicting classifications of pathogenicity. Review status: criteria provided, conflicting classifications (1 of 4 stars). 3 submissions from 3 submitters: Uncertain significance (2); Likely benign (1). Last evaluated 2025-09-05.

Conditions:
Dyskeratosis congenita. Identifiers: Orphanet 1775, MedGen C0265965, MONDO:0015780.
Dyskeratosis congenita, autosomal dominant 2. Identifiers: MedGen C3151443, MONDO:0013521, OMIM 613989.
Idiopathic Pulmonary Fibrosis. Also called: Idiopathic fibrosing alveolitis, chronic form; idiopathic fibrosing alveolitis. Identifiers: Orphanet 2032, MedGen C1800706, MeSH D054990, MONDO:0800504.
Acute myeloid leukemia (AML). Also called: Leukemia, acute myeloid, somatic; Leukemia, acute myelogenous, somatic; Acute myeloid leukemia, adult; AML adult; Acute non-lymphocytic leukemia; Acute granulocytic leukemia. Identifiers: Orphanet 519, MedGen C0023467, MeSH D015470, MONDO:0018874, OMIM 601626, HP:0004808. Disease mechanism: Constitutively activated FLT3.
Pulmonary fibrosis and/or bone marrow failure, Telomere-related, 1. Also called: PULMONARY FIBROSIS AND/OR BONE MARROW FAILURE SYNDROME, TELOMERE-RELATED, 1. Identifiers: Orphanet 88, MedGen C3553617, MONDO:0013878, OMIM 614742.
Melanoma, cutaneous malignant, susceptibility to, 9. Also called: Cutaneous malignant melanoma 9. Identifiers: Orphanet 618, MedGen C3554574, MONDO:0014056, OMIM 615134.

Allele frequency attached by ClinVar (database versions not stated): gnomAD exomes 0.00002 and 0.00005; gnomAD 0.00003; TOPMed 0.00005; ExAC 0.00006; 1000 Genomes Project 30x 0.00016.
gnomAD v4.1: 36 of 1,552,268 alleles (0.0023%); highest among the groups gnomAD compares: East Asian, 0.0024%; no homozygotes.

Submissions (3):

Labcorp Genetics (formerly Invitae), Labcorp
Classification: Likely benign for Dyskeratosis congenita, autosomal dominant 2; Idiopathic Pulmonary Fibrosis. Last evaluated: 2025-09-05. Review status: criteria provided, single submitter. Criteria: Invitae Variant Classification Sherloc (09022015). Collection method: clinical testing. Allele origin: germline.

Ambry Genetics
Classification: Uncertain significance for Dyskeratosis congenita. Last evaluated: 2024-12-19. Review status: criteria provided, single submitter. Criteria: Ambry Variant Classification Scheme 2023. Collection method: clinical testing. Allele origin: germline.
Comment: The p.R671Q variant (also known as c.2012G>A), located in coding exon 5 of the TERT gene, results from a G to A substitution at nucleotide position 2012. The arginine at codon 671 is replaced by glutamine, an amino acid with highly similar properties. This amino acid position is not well conserved in available vertebrate species. In addition, this alteration is predicted to be tolerated by in silico analysis. The evidence for this gene-disease relationship is limited; therefore, the clinical significance of this alteration is unclear.

Fulgent Genetics
Classification: Uncertain significance for Acute myeloid leukemia; Dyskeratosis congenita, autosomal dominant 2; Pulmonary fibrosis and/or bone marrow failure, Telomere-related, 1; Melanoma, cutaneous malignant, susceptibility to, 9. Last evaluated: 2024-06-20. Review status: criteria provided, single submitter. Criteria: ACMG Guidelines, 2015. Collection method: clinical testing. Allele origin: germline.

NM_198253.3(TERT):c.2012G>A (p.Arg671Gln)

Gene: TERT (telomerase reverse transcriptase; minus strand). Cytogenetic location: 5p15.33.
Variant type: single nucleotide variant.
Coding change: c.2012G>A on transcript NM_198253.3 (MANE Select); coding-DNA position 2012, G replaced by A.
Protein change: p.Arg671Gln; replaces arginine 671 with glutamine.
Molecular consequence: missense variant. On other transcripts: non-coding transcript variant (2).
Genome position (GRCh38, 1-based): chr5:1,279,409, C>T on the plus strand (G>A on the coding strand, the complement: TERT is on the minus strand). VCF-style: chr5-1279409-C-T. GRCh37 (hg19) VCF-style: chr5-1279524-C-T.
Other names: c.2012G>A, p.Arg671Gln (NM_001193376.3); short protein forms R671Q.
Identifiers: ClinVar variation 579067 (VCV000579067.12), dbSNP rs774381540, ClinGen allele CA3184687.